The following is an entry in ClinVar:

NM_002470.4(MYH3):c.985_986delinsTT (p.Glu329Leu)

Gene: MYH3 (myosin heavy chain 3; minus strand). Cytogenetic location: 17p13.1.
Variant type: Indel.
Coding change: c.985_986delinsTT on transcript NM_002470.4 (MANE Select); coding-DNA positions 985 to 986, GA replaced by TT.
Protein change: p.Glu329Leu; replaces glutamic acid 329 with leucine.
Molecular consequence: missense variant.
Genome position (GRCh38, 1-based): chr17:10,645,945-10,645,946, TC replaced by AA on the plus strand (GA replaced by TT on the coding strand, the reverse complement: MYH3 is on the minus strand). VCF-style: chr17-10645945-TC-AA. GRCh37 (hg19) VCF-style: chr17-10549262-TC-AA.
Other names: short protein forms E329L.
Identifiers: ClinVar variation 2179495 (VCV002179495.4), dbSNP rs2508626936, ClinGen allele CA2580092526.

ClinVar aggregate classification (germline): Uncertain significance (1 of 4 stars; one submission).

Submission:

Labcorp Genetics (formerly Invitae), Labcorp
Classification: Uncertain significance. Last evaluated: 2023-10-13. Review status: criteria provided, single submitter. Criteria: Invitae Variant Classification Sherloc (09022015). Collection method: clinical testing. Allele origin: germline.
Comment: This sequence change replaces glutamic acid, which is acidic and polar, with leucine, which is neutral and non-polar, at codon 329 of the MYH3 protein (p.Glu329Leu). Information on the frequency of this variant in the gnomAD database is not available, as this variant may be reported differently in the database. This variant has not been reported in the literature in individuals affected with MYH3-related conditions. ClinVar contains an entry for this variant (Variation ID: 2179495). An algorithm developed to predict the effect of missense changes on protein structure and function (PolyPhen-2) suggests that this variant is likely to be disruptive. In summary, the available evidence is currently insufficient to determine the role of this variant in disease. Therefore, it has been classified as a Variant of Uncertain Significance.